The following is an entry in ClinVar:

NM_018319.4(TDP1):c.1165G>A (p.Ala389Thr)

Gene: TDP1 (tyrosyl-DNA phosphodiesterase 1; plus strand). Cytogenetic location: 14q32.11.
Variant type: single nucleotide variant.
Coding change: c.1165G>A on transcript NM_018319.4 (MANE Select); coding-DNA position 1165, G replaced by A.
Protein change: p.Ala389Thr; replaces alanine 389 with threonine.
Molecular consequence: missense variant.
Genome position (GRCh38, 1-based): chr14:89,988,938, G>A. VCF-style: chr14-89988938-G-A. GRCh37 (hg19) VCF-style: chr14-90455282-G-A.
Other names: p.Ala389Thr; c.1165G>A, p.Ala389Thr (NM_001008744.2, NM_001330205.2); short protein forms A389T.
Identifiers: ClinVar variation 599426 (VCV000599426.15), dbSNP rs138044459, ClinGen allele CA7303864.

ClinVar aggregate classification (germline): Benign/Likely benign. Review status: criteria provided, multiple submitters, no conflicts (2 of 4 stars). 7 submissions from 7 submitters: Benign (2); Likely benign (4). 1 of the submissions does not count toward it. Last evaluated 2025-05-27.

Conditions:
TDP1-related disorder. Also called: TDP1-related condition.
Spinocerebellar ataxia, autosomal recessive, with axonal neuropathy 1 (SCAN1). Identifiers: Orphanet 94124, MedGen C4759870, MONDO:0011801, OMIM 607250.

Allele frequency attached by ClinVar (database versions not stated): gnomAD exomes 0.00019 and 0.00041; ExAC 0.00059; 1000 Genomes Project 30x 0.00141; gnomAD 0.00169 and 0.00178; TOPMed 0.00170; 1000 Genomes Project 0.00180; ESP Exome Variant Server 0.00200.
gnomAD v4.1: 552 of 1,614,052 alleles (0.034%); highest among the groups gnomAD compares: African/African-American, 0.52%; 1 homozygote.

Submissions (7):

Mayo Clinic Laboratories, Mayo Clinic
Classification: Benign. Last evaluated: 2025-05-27. Review status: criteria provided, single submitter. Criteria: ACMG Guidelines, 2015. Collection method: clinical testing. Allele origin: germline. Observed: 1 variant allele.
Comment: BA1, BP4_moderate

Blueprint Genetics
Classification: Likely benign. Last evaluated: 2024-10-22. Review status: criteria provided, single submitter. Criteria: ACMG Guidelines, 2015. Collection method: clinical testing. Allele origin: germline.

Athena Diagnostics
Classification: Likely benign. Last evaluated: 2019-02-11. Review status: criteria provided, single submitter. Criteria: Athena Diagnostics Criteria. Collection method: clinical testing. Allele origin: germline.

Illumina Laboratory Services, Illumina
Classification: Benign for Spinocerebellar ataxia, autosomal recessive, with axonal neuropathy 1. Last evaluated: 2017-05-30. Review status: criteria provided, single submitter. Criteria: ICSL Variant Classification Criteria 13 December 2019. Collection method: clinical testing. Allele origin: germline.
Comment: This variant was observed as part of a predisposition screen in an ostensibly healthy population. A literature search was performed for the gene, cDNA change, and amino acid change (where applicable). No publications were found based on this search. Allele frequency data from public databases was too high to be consistent with this variant causing disease. Therefore, this variant is classified as benign.

Institute for Genomic Medicine (IGM) Clinical Laboratory, Nationwide Children's Hospital
Classification: Likely benign. Last evaluated: 2017-05-15. Review status: criteria provided, single submitter. Criteria: ACMG Guidelines, 2015. Collection method: clinical testing. Allele origin: germline.
Comment: BS1, BP4; This alteration has an allele frequency that is greater than expected for the associated disease, and is predicted to be tolerated by multiple functional prediction tools.

Breakthrough Genomics
Classification: Likely benign. Review status: criteria provided, single submitter. Criteria: ACMG Guidelines, 2015. Collection method: not provided. Allele origin: germline. Inheritance: Autosomal recessive inheritance. Affected: yes.

PreventionGenetics, part of Exact Sciences
Classification: Likely benign for TDP1-related condition. Last evaluated: 2019-11-18. Review status: no assertion criteria provided. Collection method: clinical testing. Allele origin: germline. Not counted in ClinVar's aggregate classification.
Comment: This variant is classified as likely benign based on ACMG/AMP sequence variant interpretation guidelines (Richards et al. 2015 PMID: 25741868, with internal and published modifications).